The following is an entry in ClinVar:

NM_001291867.2(NHS):c.1770C>T (p.Asp590=)

Gene: NHS (NHS actin remodeling regulator; plus strand). Cytogenetic location: Xp22.13.
Variant type: single nucleotide variant.
Coding change: c.1770C>T on transcript NM_001291867.2 (MANE Select); coding-DNA position 1770, C replaced by T.
Protein change: p.Asp590=; no amino-acid change (aspartic acid 590 retained).
Molecular consequence: synonymous variant.
Genome position (GRCh38, 1-based): chrX:17,725,876, C>T. VCF-style: chrX-17725876-C-T. GRCh37 (hg19) VCF-style: chrX-17743996-C-T.
Other names: c.1239C>T, p.Asp413= (NM_001136024.4); c.1176C>T, p.Asp392= (NM_001291868.2); c.1431C>T, p.Asp477= (NM_001440780.1); c.1707C>T, p.Asp569= (NM_198270.4).
Identifiers: ClinVar variation 4085350 (VCV004085350.8).

ClinVar aggregate classification (germline): Likely benign (1 of 4 stars; one submission).

Submission:

CeGaT Center for Human Genetics Tuebingen
Classification: Likely benign. Last evaluated: 2025-07-01. Review status: criteria provided, single submitter. Criteria: CeGaT Center For Human Genetics Tuebingen Variant Classification Criteria Version 2. Collection method: clinical testing. Allele origin: germline. Affected: yes. Observed: 1 variant allele.
Comment: NHS: BP4, BP7